The following is an entry in ClinVar:

ClinVar aggregate classification (germline): Uncertain significance (1 of 4 stars; one submission).

Conditions:
Epilepsy, childhood absence, susceptibility to, 1. Also called: Epilepsy, childhood absence 1. Identifiers: Orphanet 64280, MedGen C1838604, MONDO:0020759, OMIM 600131.
Epilepsy, childhood absence, susceptibility to, 5. Identifiers: Orphanet 64280, MedGen C2677087, MONDO:0012843, OMIM 612269.

Submission:

Labcorp Genetics (formerly Invitae), Labcorp
Classification: Uncertain significance for Epilepsy, childhood absence, susceptibility to, 5; Epilepsy, childhood absence, susceptibility to, 1. Last evaluated: 2025-10-26. Review status: criteria provided, single submitter. Criteria: Invitae Variant Classification Sherloc (09022015). Collection method: clinical testing. Allele origin: germline.
Comment: This sequence change replaces glutamine, which is neutral and polar, with histidine, which is basic and polar, at codon 401 of the GABRB3 protein (p.Gln401His). This variant is not present in population databases (gnomAD no frequency). This variant has not been reported in the literature in individuals affected with GABRB3-related conditions. Invitae Evidence Modeling of protein sequence and biophysical properties (such as structural, functional, and spatial information, amino acid conservation, physicochemical variation, residue mobility, and thermodynamic stability) indicates that this missense variant is not expected to disrupt GABRB3 protein function with a negative predictive value of 95%. In summary, the available evidence is currently insufficient to determine the role of this variant in disease. Therefore, it has been classified as a Variant of Uncertain Significance.

NM_000814.6(GABRB3):c.1203G>C (p.Gln401His)

Gene: GABRB3 (gamma-aminobutyric acid type A receptor subunit beta3; minus strand). Cytogenetic location: 15q12.
Variant type: single nucleotide variant.
Coding change: c.1203G>C on transcript NM_000814.6 (MANE Select); coding-DNA position 1203, G replaced by C.
Protein change: p.Gln401His; replaces glutamine 401 with histidine.
Molecular consequence: missense variant.
Genome position (GRCh38, 1-based): chr15:26,548,012, C>G on the plus strand (G>C on the coding strand, the complement: GABRB3 is on the minus strand). VCF-style: chr15-26548012-C-G. GRCh37 (hg19) VCF-style: chr15-26793159-C-G.
Other names: c.948G>C, p.Gln316His (NM_001191320.2, NM_001278631.2); c.990G>C, p.Gln330His (NM_001191321.3); c.1203G>C, p.Gln401His (NM_021912.5); short protein forms Q401H, Q330H, Q316H.
Identifiers: ClinVar variation 4789616 (VCV004789616.1).